The following is an entry in ClinVar:

NM_000784.4(CYP27A1):c.409C>G (p.Arg137Gly)

Gene: CYP27A1 (cytochrome P450 family 27 subfamily A member 1; plus strand). Cytogenetic location: 2q35.
Variant type: single nucleotide variant.
Coding change: c.409C>G on transcript NM_000784.4 (MANE Select); coding-DNA position 409, C replaced by G.
Protein change: p.Arg137Gly; replaces arginine 137 with glycine.
Molecular consequence: missense variant.
Genome position (GRCh38, 1-based): chr2:218,809,730, C>G. VCF-style: chr2-218809730-C-G. GRCh37 (hg19) VCF-style: chr2-219674453-C-G.
Other names: short protein forms R137G.
Identifiers: ClinVar variation 4800347 (VCV004800347.1).
Genomic context (GRCh38, chr2:218,809,730, plus strand): 5'-GTGATGCGGCAAGAGGGCAAGTACCCAGTACGGAACGACATGGAGCTATGGAAGGAGCAC[C>G]GGGACCAGCACGACCTGACCTATGGGCCGTTCACCACGTGAGCTGGGGCCTGAAGGGACT-3'
Protein context (NP_000775.1, residues 127-147): RNDMELWKEH[Arg137Gly]DQHDLTYGPF

ClinVar aggregate classification (germline): Likely pathogenic (1 of 4 stars; one submission).

Conditions:
Cholestanol storage disease (CTX). Also called: Cerebrotendinous Xanthomatosis; CTX: Cerebrotendinous xanthomatosis; CEREBRAL CHOLESTERINOSIS. Identifiers: Orphanet 909, MedGen C0238052, MONDO:0008948, OMIM 213700.

Submission:

Labcorp Genetics (formerly Invitae), Labcorp
Classification: Likely pathogenic for Cholestanol storage disease. Last evaluated: 2025-06-24. Review status: criteria provided, single submitter. Criteria: Invitae Variant Classification Sherloc (09022015). Collection method: clinical testing. Allele origin: germline.
Comment: This sequence change replaces arginine, which is basic and polar, with glycine, which is neutral and non-polar, at codon 137 of the CYP27A1 protein (p.Arg137Gly). This variant is not present in population databases (gnomAD no frequency). This variant has not been reported in the literature in individuals affected with CYP27A1-related conditions. Invitae Evidence Modeling of protein sequence and biophysical properties (such as structural, functional, and spatial information, amino acid conservation, physicochemical variation, residue mobility, and thermodynamic stability) indicates that this missense variant is expected to disrupt CYP27A1 protein function with a positive predictive value of 95%. This variant disrupts the p.Arg137 amino acid residue in CYP27A1. Other variant(s) that disrupt this residue have been determined to be pathogenic (PMID: 8006521, 21553098). This suggests that this residue is clinically significant, and that variants that disrupt this residue are likely to be disease-causing. In summary, the currently available evidence indicates that the variant is pathogenic, but additional data are needed to prove that conclusively. Therefore, this variant has been classified as Likely Pathogenic.

Literature cited by the submitters: PubMed 8006521; PubMed 21553098.